The following is an entry in ClinVar:

ClinVar aggregate classification (germline): Uncertain significance (1 of 4 stars; one submission).

gnomAD v4.1: 2 of 1,497,958 alleles (0.00013%); highest among the groups gnomAD compares: Non-Finnish European, 0.00018%; no homozygotes.

Submission:

Labcorp Genetics (formerly Invitae), Labcorp
Classification: Uncertain significance. Last evaluated: 2021-05-06. Review status: criteria provided, single submitter. Criteria: Invitae Variant Classification Sherloc (09022015). Collection method: clinical testing. Allele origin: germline.
Comment: In summary, the available evidence is currently insufficient to determine the role of this variant in disease. Therefore, it has been classified as a Variant of Uncertain Significance. Algorithms developed to predict the effect of sequence changes on RNA splicing suggest that this variant may create or strengthen a splice site, but this prediction has not been confirmed by published transcriptional studies. This variant has not been reported in the literature in individuals with IL2RB-related conditions. This variant is not present in population databases (ExAC no frequency). This sequence change creates a premature translational stop signal (p.Arg494*) in the IL2RB gene. While this is not anticipated to result in nonsense mediated decay, it is expected to disrupt the last 58 amino acid(s) of the IL2RB protein.

NM_000878.5(IL2RB):c.1480C>T (p.Arg494Ter)

Gene: IL2RB (interleukin 2 receptor subunit beta; minus strand). Cytogenetic location: 22q12.3.
Variant type: single nucleotide variant.
Coding change: c.1480C>T on transcript NM_000878.5 (MANE Select); coding-DNA position 1480, C replaced by T.
Protein change: p.Arg494Ter; replaces arginine 494 with a stop codon.
Molecular consequence: nonsense.
Genome position (GRCh38, 1-based): chr22:37,128,272, G>A on the plus strand (C>T on the coding strand, the complement: IL2RB is on the minus strand). VCF-style: chr22-37128272-G-A. GRCh37 (hg19) VCF-style: chr22-37524312-G-A.
Other names: c.1480C>T, p.Arg494Ter (NM_001346222.1, NM_001346223.2); short protein forms R494*.
Identifiers: ClinVar variation 1393561 (VCV001393561.8), dbSNP rs757144557, ClinGen allele CA411423875.